The following is an entry in ClinVar:

ClinVar aggregate classification (germline): Likely benign (1 of 4 stars; one submission).

Submission:

GeneDx
Classification: Likely benign. Last evaluated: 2021-05-25. Review status: criteria provided, single submitter. Criteria: GeneDx Variant Classification Process June 2021. Collection method: clinical testing. Allele origin: germline. Affected: yes.
Comment: See Variant Classification Assertion Criteria.

NM_001025616.3(ARHGAP24):c.-20-160_-20-125del

Gene: ARHGAP24 (Rho GTPase activating protein 24; plus strand). Cytogenetic location: 4q21.23.
Variant type: Deletion.
Coding change: c.-20-160_-20-125del on transcript NM_001025616.3 (MANE Select); 160 bases into the intron before 20 bases upstream of the start codon through 125 bases into the intron before 20 bases upstream of the start codon, 36 bases deleted.
Molecular consequence: intron variant.
Genome position (GRCh38, 1-based): chr4:85,570,362-85,570,397, 36 bases deleted; deleting any 36 consecutive bases within chr4:85,570,361-85,570,397 gives the same sequence; the c. name uses the placement nearest the transcript's 3' end. GRCh37 (hg19): chr4:86,491,515-86,491,550.
Identifiers: ClinVar variation 1800575 (VCV001800575.1), dbSNP rs879696923, ClinGen allele CA101257097.
Genomic context (GRCh38, chr4:85,570,360, plus strand): 5'-TTGCTCTCTCTCTCTTTCTCTTTCTCTCTCTCTCTTTCTTTTTTTCTTTCTTCTTTCTTT[CTTTCTCTTTCTTTCTTTCTTTCTTTCTTTCTTTCTT>C]TCTTTCTTTCTTTCTTTCTTTCCTCTCTCTCTCTCTTTTTTTTTTTCTGGAGAAGAGTGG-3'